The following is an entry in ClinVar:

ClinVar aggregate classification (germline): Uncertain significance (1 of 4 stars; one submission).

Conditions:
Multiple congenital anomalies-hypotonia-seizures syndrome 1 (MCAHS1). Also called: PIGN-CDG; Congenital disorder of glycosylation due to PIGN deficiency; GLYCOSYLPHOSPHATIDYLINOSITOL BIOSYNTHESIS DEFECT 3. Identifiers: Orphanet 280633, MedGen C3279775, MONDO:0013563, OMIM 614080.

Allele frequency attached by ClinVar (database versions not stated): gnomAD 0.00002; gnomAD exomes 0.00002; TOPMed 0.00004.
gnomAD v4.1: 26 of 1,555,682 alleles (0.0017%); highest among the groups gnomAD compares: African/African-American, 0.0027%; no homozygotes.

Submission:

Labcorp Genetics (formerly Invitae), Labcorp
Classification: Uncertain significance for Multiple congenital anomalies-hypotonia-seizures syndrome 1. Last evaluated: 2022-10-25. Review status: criteria provided, single submitter. Criteria: Invitae Variant Classification Sherloc (09022015). Collection method: clinical testing. Allele origin: germline.
Comment: This sequence change replaces threonine, which is neutral and polar, with isoleucine, which is neutral and non-polar, at codon 771 of the PIGN protein (p.Thr771Ile). This variant is not present in population databases (gnomAD no frequency). This variant has not been reported in the literature in individuals affected with PIGN-related conditions. ClinVar contains an entry for this variant (Variation ID: 1486009). Advanced modeling of protein sequence and biophysical properties (such as structural, functional, and spatial information, amino acid conservation, physicochemical variation, residue mobility, and thermodynamic stability) performed at Invitae indicates that this missense variant is not expected to disrupt PIGN protein function. In summary, the available evidence is currently insufficient to determine the role of this variant in disease. Therefore, it has been classified as a Variant of Uncertain Significance.

NM_176787.5(PIGN):c.2312C>T (p.Thr771Ile)

Gene: PIGN (phosphatidylinositol glycan anchor biosynthesis class N; minus strand). Cytogenetic location: 18q21.33.
Variant type: single nucleotide variant.
Coding change: c.2312C>T on transcript NM_176787.5 (MANE Select); coding-DNA position 2312, C replaced by T.
Protein change: p.Thr771Ile; replaces threonine 771 with isoleucine.
Molecular consequence: missense variant.
Genome position (GRCh38, 1-based): chr18:62,088,814, G>A on the plus strand (C>T on the coding strand, the complement: PIGN is on the minus strand). VCF-style: chr18-62088814-G-A. GRCh37 (hg19) VCF-style: chr18-59756047-G-A.
Other names: c.2312C>T, p.Thr771Ile (NM_012327.6); short protein forms T771I.
Identifiers: ClinVar variation 1486009 (VCV001486009.3), dbSNP rs748649004, ClinGen allele CA8982011.